The following is an entry in ClinVar:

NM_003482.4(KMT2D):c.2250_2303del (p.Arg755_Pro772del)

Gene: KMT2D (lysine methyltransferase 2D; minus strand). Cytogenetic location: 12q13.12.
Variant type: Deletion.
Coding change: c.2250_2303del on transcript NM_003482.4 (MANE Select); coding-DNA positions 2250 to 2303, 54 bases deleted.
Protein change: p.Arg755_Pro772del.
Genome position (GRCh38, 1-based): chr12:49,051,380-49,051,433, 54 bases deleted. GRCh37 (hg19): chr12:49,445,173-49,445,226.
Other names: c.2250_2303del54 (NM_003482.3).
Identifiers: ClinVar variation 3574848 (VCV003574848.2).

ClinVar aggregate classification (germline): Uncertain significance. Review status: criteria provided, multiple submitters, no conflicts (2 of 4 stars). 2 submissions from 2 submitters: Uncertain significance (2). Last evaluated 2025-06-12.

Conditions:
KMT2D-related disorder. Also called: KMT2D-Related Disorders.
Kabuki syndrome 1 (KABUK1). Also called: KMT2D-Related Kabuki Syndrome. Identifiers: Orphanet 2322, MedGen CN030661, MONDO:0007843, OMIM 147920.
Choanal atresia-athelia-hypothyroidism-delayed puberty-short stature syndrome (BCAHH). Also called: BRANCHIAL ARCH ABNORMALITIES, CHOANAL ATRESIA, ATHELIA, HEARING LOSS, AND HYPOTHYROIDISM SYNDROME. Identifiers: Orphanet 589856, MedGen C5680310, MONDO:0035651, OMIM 620186.

Submissions (2):

PreventionGenetics, part of Exact Sciences
Classification: Uncertain significance for KMT2D-related condition. Last evaluated: 2025-06-12. Review status: criteria provided, single submitter. Criteria: ACMG Guidelines, 2015. Collection method: clinical testing. Allele origin: germline.
Comment: The KMT2D c.2250_2303del54 variant is predicted to result in an in-frame deletion (p.Arg755_Pro772del). To our knowledge, this variant has not been reported in the literature. This variant is reported in 0.00093% of alleles in individuals of European (Non-Finnish) descent in gnomAD. At this time, the clinical significance of this variant is uncertain due to the absence of conclusive functional and genetic evidence.

Fulgent Genetics
Classification: Uncertain significance for Kabuki syndrome 1; Choanal atresia-athelia-hypothyroidism-delayed puberty-short stature syndrome. Last evaluated: 2024-03-29. Review status: criteria provided, single submitter. Criteria: ACMG Guidelines, 2015. Collection method: clinical testing. Allele origin: germline.